The following is an entry in ClinVar:

NM_001267550.2(TTN):c.82409del (p.Pro27470fs)

Genes: TTN (titin; minus strand), TTN-AS1 (TTN antisense RNA 1; plus strand). Cytogenetic location: 2q31.2.
Variant type: Deletion.
Coding change: c.82409del on transcript NM_001267550.2 (MANE Select); coding-DNA position 82409, one base deleted (C; older notation c.82409delC).
Protein change: p.Pro27470fs; shifts the reading frame from proline 27470.
Molecular consequence: frameshift variant.
Genome position (GRCh38, 1-based): chr2:178,563,723, G deleted on the plus strand (C on the coding strand, the reverse complement: TTN is on the minus strand); the first of 2 consecutive G bases (chr2:178,563,723-178,563,724); deleting either gives the same sequence. VCF-style (leftmost placement, unchanged base first): chr2-178563722-TG-T. GRCh37 (hg19) VCF-style: chr2-179428449-TG-T.
Other names: c.77486del, p.Pro25829fs (NM_001256850.1); c.55214del, p.Pro18405fs (NM_003319.4); c.74705del, p.Pro24902fs (NM_133378.4); c.55589del, p.Pro18530fs (NM_133432.3); c.55790del, p.Pro18597fs (NM_133437.4); short protein forms P27470fs, P18597fs, P18405fs, P18530fs, P24902fs, P25829fs.
Identifiers: ClinVar variation 2032878 (VCV002032878.4), dbSNP rs2468177772, ClinGen allele CA2580064724.

ClinVar aggregate classification (germline): Likely pathogenic (1 of 4 stars; one submission).

Conditions:
Dilated cardiomyopathy 1G (CMD1G). Identifiers: Orphanet 154, MedGen C1858763, MONDO:0011400, OMIM 604145.
Autosomal recessive limb-girdle muscular dystrophy type 2J (LGMDR10). Also called: Limb-girdle muscular dystrophy, type 2J; MUSCULAR DYSTROPHY, LIMB-GIRDLE, AUTOSOMAL RECESSIVE 10. Identifiers: Orphanet 140922, MedGen C1837342, MONDO:0012127, OMIM 608807.

Submission:

Labcorp Genetics (formerly Invitae), Labcorp
Classification: Likely pathogenic for Dilated cardiomyopathy 1G; Autosomal recessive limb-girdle muscular dystrophy type 2J. Last evaluated: 2022-09-27. Review status: criteria provided, single submitter. Criteria: Invitae Variant Classification Sherloc (09022015). Collection method: clinical testing. Allele origin: germline.
Comment: This variant is not present in population databases (gnomAD no frequency). This sequence change creates a premature translational stop signal (p.Pro27470Glnfs*18) in the TTN gene. While this is not anticipated to result in nonsense mediated decay, it is expected to create a truncated TTN protein. This variant has not been reported in the literature in individuals affected with TTN-related conditions. In summary, the currently available evidence indicates that the variant is pathogenic, but additional data are needed to prove that conclusively. Therefore, this variant has been classified as Likely Pathogenic. This variant is located in the A band of TTN (PMID: 25589632). Truncating variants in this region are significantly overrepresented in patients affected with dilated cardiomyopathy (PMID: 25589632). Truncating variants in this region have also been reported in individuals affected with autosomal recessive centronuclear myopathy (PMID: 23975875).

Literature cited by the submitters: PubMed 25589632; PubMed 23975875.